The following is an entry in ClinVar:

NM_000091.5(COL4A3):c.362G>A (p.Gly121Asp)

Genes: COL4A3 (collagen type IV alpha 3 chain; plus strand), MFF-DT (MFF divergent transcript; minus strand). Cytogenetic location: 2q36.3.
Variant type: single nucleotide variant.
Coding change: c.362G>A on transcript NM_000091.5 (MANE Select); coding-DNA position 362, G replaced by A.
Protein change: p.Gly121Asp; replaces glycine 121 with aspartic acid.
Molecular consequence: missense variant.
Genome position (GRCh38, 1-based): chr2:227,245,991, G>A. VCF-style: chr2-227245991-G-A. GRCh37 (hg19) VCF-style: chr2-228110707-G-A.
Other names: short protein forms G121D.
Identifiers: ClinVar variation 3339106 (VCV003339106.1).

ClinVar aggregate classification (germline): Uncertain significance (1 of 4 stars; one submission).

gnomAD v4.1: 1 of 1,613,722 alleles (0.000062%); highest among the groups gnomAD compares: Non-Finnish European, 0.000085%; no homozygotes.

Submission:

Women's Health and Genetics/Laboratory Corporation of America, LabCorp
Classification: Uncertain significance. Last evaluated: 2024-07-05. Review status: criteria provided, single submitter. Criteria: LabCorp Variant Classification Summary - May 2015. Collection method: clinical testing. Allele origin: germline.
Comment: Variant summary: COL4A3 c.362G>A (p.Gly121Asp) results in a non-conservative amino acid change in the encoded protein sequence. Five of five in-silico tools predict a damaging effect of the variant on protein function. The variant was absent in 249410 control chromosomes. The available data on variant occurrences in the general population are insufficient to allow any conclusion about variant significance. To our knowledge, no occurrence of c.362G>A in individuals affected with Alport Syndrome, Autosomal Recessive and no experimental evidence demonstrating its impact on protein function have been reported. No submitters have cited clinical-significance assessments for this variant to ClinVar. Based on the evidence outlined above, the variant was classified as uncertain significance.